The following is an entry in ClinVar:

ClinVar aggregate classification (germline): Pathogenic. Review status: criteria provided, multiple submitters, no conflicts (2 of 4 stars). 3 submissions from 3 submitters: Pathogenic (3). Last evaluated 2025-09-27.

Conditions:
Mowat-Wilson syndrome (MOWS). Also called: Classic Mowat-Wilson Syndrome. Identifiers: Orphanet 2152, MedGen C1856113, MONDO:0009341, OMIM 235730.

Submissions (3):

Labcorp Genetics (formerly Invitae), Labcorp
Classification: Pathogenic for Mowat-Wilson syndrome. Last evaluated: 2025-09-27. Review status: criteria provided, single submitter. Criteria: Invitae Variant Classification Sherloc (09022015). Collection method: clinical testing. Allele origin: germline.
Comment: This sequence change affects a donor splice site in intron 8 of the ZEB2 gene. It is expected to disrupt RNA splicing. Variants that disrupt the donor or acceptor splice site typically lead to a loss of protein function (PMID: 16199547), and loss-of-function variants in ZEB2 are known to be pathogenic (PMID: 16053902). This variant is not present in population databases (gnomAD no frequency). Disruption of this splice site has been observed in individual(s) with clinical features of ZEB2-related conditions (PMID: 36474027). In at least one individual the variant was observed to be de novo. ClinVar contains an entry for this variant (Variation ID: 1029309). Algorithms developed to predict the effect of sequence changes on RNA splicing suggest that this variant may disrupt the consensus splice site. For these reasons, this variant has been classified as Pathogenic.

Daryl Scott Lab, Baylor College of Medicine
Classification: Pathogenic for Mowat-Wilson syndrome. Last evaluated: 2022-02-01. Review status: criteria provided, single submitter. Criteria: ACMG Guidelines, 2015. Collection method: clinical testing. Allele origin: de novo. Affected: yes. Observed: 1 variant allele.

Baylor Genetics
Classification: Pathogenic for Mowat-Wilson syndrome. Last evaluated: 2020-01-11. Review status: criteria provided, single submitter. Criteria: ACMG Guidelines, 2015. Collection method: clinical testing. Allele origin: unknown. Affected: yes.
Comment: This variant was determined to be pathogenic according to ACMG Guidelines, 2015 [PMID:25741868].

Literature cited by the submitters: PubMed 16199547 (cited by Labcorp Genetics (formerly Invitae), Labcorp); PubMed 16053902 (cited by Labcorp Genetics (formerly Invitae), Labcorp); PubMed 36474027 (cited by Labcorp Genetics (formerly Invitae), Labcorp and Daryl Scott Lab, Baylor College of Medicine).

NM_014795.4(ZEB2):c.2886+1G>A

Gene: ZEB2 (zinc finger E-box binding homeobox 2; minus strand). Cytogenetic location: 2q22.3.
Variant type: single nucleotide variant.
Coding change: c.2886+1G>A on transcript NM_014795.4 (MANE Select); the canonical splice donor site of the intron after coding-DNA position 2886, G replaced by A.
Molecular consequence: splice donor variant.
Genome position (GRCh38, 1-based): chr2:144,398,300, C>T on the plus strand (G>A on the coding strand, the complement: ZEB2 is on the minus strand). VCF-style: chr2-144398300-C-T. GRCh37 (hg19) VCF-style: chr2-145155867-C-T.
Other names: c.2814+1G>A (NM_001171653.2).
Identifiers: ClinVar variation 1029309 (VCV001029309.3), dbSNP rs1703257054, ClinGen allele CA348706503.